The following is an entry in ClinVar:

ClinVar aggregate classification (germline): Conflicting classifications of pathogenicity. Review status: criteria provided, conflicting classifications (1 of 4 stars). 4 submissions from 4 submitters: Uncertain significance (1); Benign (2). 1 of the submissions does not count toward it. Last evaluated 2026-01-24.

Conditions:
HLCS-related disorder. Also called: HLCS-related condition.
Holocarboxylase synthetase deficiency. Also called: MULTIPLE CARBOXYLASE DEFICIENCY, EARLY ONSET. Identifiers: Orphanet 79242, MedGen C0268581, MONDO:0009666, OMIM 253270.

Allele frequency attached by ClinVar (database versions not stated): ESP Exome Variant Server 0.00008; gnomAD 0.00011 and 0.00012; 1000 Genomes Project 30x 0.00016; 1000 Genomes Project 0.00020; TOPMed 0.00022; ExAC 0.00025.
gnomAD v4.1: 182 of 1,612,826 alleles (0.011%); highest among the groups gnomAD compares: East Asian, 0.28%; no homozygotes.

Submissions (4):

Labcorp Genetics (formerly Invitae), Labcorp
Classification: Benign for Holocarboxylase synthetase deficiency. Last evaluated: 2026-01-24. Review status: criteria provided, single submitter. Criteria: Invitae Variant Classification Sherloc (09022015). Collection method: clinical testing. Allele origin: germline.

Illumina Laboratory Services, Illumina
Classification: Uncertain significance for Holocarboxylase synthetase deficiency. Last evaluated: 2017-04-27. Review status: criteria provided, single submitter. Criteria: ICSL Variant Classification Criteria 13 December 2019. Collection method: clinical testing. Allele origin: germline.

GeneDx
Classification: Benign. Last evaluated: 2014-04-09. Review status: criteria provided, single submitter. Criteria: GeneDx Variant Classification (06012015). Collection method: clinical testing. Allele origin: germline. Affected: yes.
Comment: This variant is considered likely benign or benign based on one or more of the following criteria: it is a conservative change, it occurs at a poorly conserved position in the protein, it is predicted to be benign by multiple in silico algorithms, and/or has population frequency not consistent with disease.

PreventionGenetics, part of Exact Sciences
Classification: Likely benign for HLCS-related condition. Last evaluated: 2019-10-03. Review status: no assertion criteria provided. Collection method: clinical testing. Allele origin: germline. Not counted in ClinVar's aggregate classification.
Comment: This variant is classified as likely benign based on ACMG/AMP sequence variant interpretation guidelines (Richards et al. 2015 PMID: 25741868, with internal and published modifications).

NM_001352514.2(HLCS):c.2151C>T (p.Asn717=)

Gene: HLCS (holocarboxylase synthetase; minus strand). Cytogenetic location: 21q22.13.
Variant type: single nucleotide variant.
Coding change: c.2151C>T on transcript NM_001352514.2 (MANE Select); coding-DNA position 2151, C replaced by T.
Protein change: p.Asn717=; no amino-acid change (asparagine 717 retained).
Molecular consequence: synonymous variant. On other transcripts: non-coding transcript variant (2).
Genome position (GRCh38, 1-based): chr21:36,759,812, G>A on the plus strand (C>T on the coding strand, the complement: HLCS is on the minus strand). VCF-style: chr21-36759812-G-A. GRCh37 (hg19) VCF-style: chr21-38132113-G-A.
Other names: p.N570N:AAC>AAT; c.1710C>T, p.Asn570= (NM_000411.8, NM_001242784.3, NM_001242785.2 and 4 more transcripts).
Identifiers: ClinVar variation 137545 (VCV000137545.18), dbSNP rs148709879, ClinGen allele CA291170.